The following is an entry in ClinVar:

ClinVar aggregate classification (germline): Pathogenic (1 of 4 stars; one submission).

Submission:

Labcorp Genetics (formerly Invitae), Labcorp
Classification: Pathogenic. Last evaluated: 2022-09-13. Review status: criteria provided, single submitter. Criteria: Invitae Variant Classification Sherloc (09022015). Collection method: clinical testing. Allele origin: germline.
Comment: For these reasons, this variant has been classified as Pathogenic. This variant disrupts a region of the FZD4 protein in which other variant(s) (p.Trp496*, p.Gln505*) have been determined to be pathogenic (PMID: 15223780, 19324841, 30452590). This suggests that this is a clinically significant region of the protein, and that variants that disrupt it are likely to be disease-causing. ClinVar contains an entry for this variant (Variation ID: 963662). This premature translational stop signal has been observed in individuals with clinical features of familial exudative vitreoretinopathy (Invitae). This variant is not present in population databases (gnomAD no frequency). This sequence change creates a premature translational stop signal (p.Ile221Asnfs*27) in the FZD4 gene. While this is not anticipated to result in nonsense mediated decay, it is expected to disrupt the last 317 amino acid(s) of the FZD4 protein.

Literature cited by the submitters: PubMed 15223780; PubMed 19324841; PubMed 30452590.

NM_012193.4(FZD4):c.661dup (p.Ile221fs)

Genes: FZD4 (frizzled class receptor 4; minus strand), PRSS23 (serine protease 23; plus strand). Cytogenetic location: 11q14.2.
Variant type: Duplication.
Coding change: c.661dup on transcript NM_012193.4 (MANE Select); coding-DNA position 661, one base duplicated (A; older notation c.661dupA).
Protein change: p.Ile221fs; shifts the reading frame from isoleucine 221.
Molecular consequence: frameshift variant. On other transcripts: non-coding transcript variant (2).
Genome position (GRCh38, 1-based): chr11:86,952,095, T duplicated on the plus strand (A on the coding strand, the reverse complement: FZD4 is on the minus strand). VCF-style (leftmost placement, unchanged base first): chr11-86952094-A-AT. GRCh37 (hg19) VCF-style: chr11-86663136-A-AT.
Other names: short protein forms I221fs.
Identifiers: ClinVar variation 963662 (VCV000963662.9), dbSNP rs1949298315, ClinGen allele CA1139662111.
Genomic context (GRCh38, chr11:86,952,094, plus strand): 5'-AAGGTCAGTACTGTGAAGGCAGTGGAGATGAAACACAGGCTGGCCCACACAGCCATCCAG[A>AT]TATCAGTGAACTCCTTGGCTGAGCGGCTGTATAAGCCAGCATCATAGCCACACTTGAGCA-3'